The following is an entry in ClinVar:

NM_000018.4(ACADVL):c.1004A>G (p.His335Arg)

Gene: ACADVL (acyl-CoA dehydrogenase very long chain; plus strand). Cytogenetic location: 17p13.1.
Variant type: single nucleotide variant.
Coding change: c.1004A>G on transcript NM_000018.4 (MANE Select); coding-DNA position 1004, A replaced by G.
Protein change: p.His335Arg; replaces histidine 335 with arginine.
Molecular consequence: missense variant.
Genome position (GRCh38, 1-based): chr17:7,222,792, A>G. VCF-style: chr17-7222792-A-G. GRCh37 (hg19) VCF-style: chr17-7126111-A-G.
Other names: c.938A>G, p.His313Arg (NM_001033859.3); c.1073A>G, p.His358Arg (NM_001270447.2); c.776A>G, p.His259Arg (NM_001270448.2); short protein forms H259R, H335R, H358R, H313R.
Identifiers: ClinVar variation 1483929 (VCV001483929.6), dbSNP rs2142980423, ClinGen allele CA397724144.

ClinVar aggregate classification (germline): Uncertain significance (1 of 4 stars; one submission).

Conditions:
Very long chain acyl-CoA dehydrogenase deficiency (ACADVLD). Also called: VLCAD Deficiency; Very Long-Chain Acyl-Coenzyme A Dehydrogenase Deficiency. Identifiers: Orphanet 26793, MedGen C3887523, MONDO:0008723, OMIM 201475.

Allele frequency attached by ClinVar (database versions not stated): gnomAD exomes below 0.00001.
gnomAD v4.1: 1 of 1,613,978 alleles (0.000062%); highest among the groups gnomAD compares: African/African-American, 0.0013%; no homozygotes.

Submission:

Labcorp Genetics (formerly Invitae), Labcorp
Classification: Uncertain significance for Very long chain acyl-CoA dehydrogenase deficiency. Last evaluated: 2022-11-08. Review status: criteria provided, single submitter. Criteria: Invitae Variant Classification Sherloc (09022015). Collection method: clinical testing. Allele origin: germline.
Comment: This sequence change replaces histidine, which is basic and polar, with arginine, which is basic and polar, at codon 335 of the ACADVL protein (p.His335Arg). This variant is not present in population databases (gnomAD no frequency). This variant has not been reported in the literature in individuals affected with ACADVL-related conditions. ClinVar contains an entry for this variant (Variation ID: 1483929). Advanced modeling of protein sequence and biophysical properties (such as structural, functional, and spatial information, amino acid conservation, physicochemical variation, residue mobility, and thermodynamic stability) performed at Invitae indicates that this missense variant is expected to disrupt ACADVL protein function. In summary, the available evidence is currently insufficient to determine the role of this variant in disease. Therefore, it has been classified as a Variant of Uncertain Significance.